The following is an entry in ClinVar:

ClinVar aggregate classification (germline): Uncertain significance (1 of 4 stars; one submission).

Conditions:
POLD1-related polyposis and colorectal cancer syndrome (CRCS10). Also called: Colorectal cancer 10; COLORECTAL CANCER, SUSCEPTIBILITY TO, ON CHROMOSOME 19q; Colorectal cancer, susceptibility to, 10. Identifiers: Orphanet 220460, MedGen C2675481, MONDO:0012953, OMIM 612591.

Submission:

Labcorp Genetics (formerly Invitae), Labcorp
Classification: Uncertain significance for POLD1-related polyposis and colorectal cancer syndrome. Last evaluated: 2021-07-13. Review status: criteria provided, single submitter. Criteria: Invitae Variant Classification Sherloc (09022015). Collection method: clinical testing. Allele origin: germline.
Comment: In summary, the available evidence is currently insufficient to determine the role of this variant in disease. Therefore, it has been classified as a Variant of Uncertain Significance. Algorithms developed to predict the effect of missense changes on protein structure and function are either unavailable or do not agree on the potential impact of this missense change (SIFT: "Tolerated"; PolyPhen-2: "Possibly Damaging"; Align-GVGD: "Class C0"). This variant has not been reported in the literature in individuals affected with POLD1-related conditions. This variant is not present in population databases (ExAC no frequency). This sequence change replaces alanine with valine at codon 895 of the POLD1 protein (p.Ala895Val). The alanine residue is moderately conserved and there is a small physicochemical difference between alanine and valine.

NM_002691.4(POLD1):c.2684C>T (p.Ala895Val)

Gene: POLD1 (DNA polymerase delta 1, catalytic subunit; plus strand). Cytogenetic location: 19q13.33.
Variant type: single nucleotide variant.
Coding change: c.2684C>T on transcript NM_002691.4 (MANE Select); coding-DNA position 2684, C replaced by T.
Protein change: p.Ala895Val; replaces alanine 895 with valine.
Molecular consequence: missense variant. On other transcripts: non-coding transcript variant (1).
Genome position (GRCh38, 1-based): chr19:50,415,557, C>T. VCF-style: chr19-50415557-C-T. GRCh37 (hg19) VCF-style: chr19-50918814-C-T.
Other names: c.2684C>T, p.Ala895Val (NM_001256849.1); c.2762C>T, p.Ala921Val (NM_001308632.1); short protein forms A895V, A921V.
Identifiers: ClinVar variation 1505079 (VCV001505079.8), dbSNP rs866086102, ClinGen allele CA309605059.